The following is an entry in ClinVar:

NM_004531.5(MOCS2):c.402C>G (p.Ser134Arg)

Gene: MOCS2 (molybdenum cofactor synthesis 2; minus strand). Cytogenetic location: 5q11.2.
Variant type: single nucleotide variant.
Coding change: c.402C>G on transcript NM_004531.5 (MANE Select); coding-DNA position 402, C replaced by G.
Protein change: p.Ser134Arg; replaces serine 134 with arginine.
Molecular consequence: missense variant. On other transcripts: 3 prime UTR variant (1).
Genome position (GRCh38, 1-based): chr5:53,100,510, G>C on the plus strand (C>G on the coding strand, the complement: MOCS2 is on the minus strand). VCF-style: chr5-53100510-G-C. GRCh37 (hg19) VCF-style: chr5-52396340-G-C.
Other names: c.*322C>G (NM_176806.4); c.402C>G, p.Ser134Arg (NM_183418.1); short protein forms S134R.
Identifiers: ClinVar variation 2012445 (VCV002012445.4), dbSNP rs2478595364, ClinGen allele CA359692908.

ClinVar aggregate classification (germline): Uncertain significance (1 of 4 stars; one submission).

Submission:

Labcorp Genetics (formerly Invitae), Labcorp
Classification: Uncertain significance. Last evaluated: 2022-06-30. Review status: criteria provided, single submitter. Criteria: Invitae Variant Classification Sherloc (09022015). Collection method: clinical testing. Allele origin: germline.
Comment: This sequence change replaces serine, which is neutral and polar, with arginine, which is basic and polar, at codon 134 of the MOCS2B protein (p.Ser134Arg). In summary, the available evidence is currently insufficient to determine the role of this variant in disease. Therefore, it has been classified as a Variant of Uncertain Significance. Algorithms developed to predict the effect of missense changes on protein structure and function (SIFT, PolyPhen-2, Align-GVGD) all suggest that this variant is likely to be disruptive. This variant has not been reported in the literature in individuals affected with MOCS2B-related conditions. This variant is not present in population databases (gnomAD no frequency).